The following is an entry in ClinVar:

NM_000057.4(BLM):c.1220G>T (p.Arg407Ile)

Gene: BLM (BLM RecQ like helicase; plus strand). Cytogenetic location: 15q26.1.
Variant type: single nucleotide variant.
Coding change: c.1220G>T on transcript NM_000057.4 (MANE Select); coding-DNA position 1220, G replaced by T.
Protein change: p.Arg407Ile; replaces arginine 407 with isoleucine.
Molecular consequence: missense variant.
Genome position (GRCh38, 1-based): chr15:90,760,279, G>T. VCF-style: chr15-90760279-G-T. GRCh37 (hg19) VCF-style: chr15-91303509-G-T.
Other names: c.1220G>T, p.Arg407Ile (NM_001287246.2, NM_001287247.2); c.95G>T, p.Arg32Ile (NM_001287248.2); short protein forms R407I, R32I.
Identifiers: ClinVar variation 1476877 (VCV001476877.8), dbSNP rs1350192744, ClinGen allele CA393842577.

ClinVar aggregate classification (germline): Uncertain significance (1 of 4 stars; one submission).

Conditions:
Bloom syndrome (BLM). Also called: Bloom-Torre-Machacek syndrome. Identifiers: Orphanet 125, MedGen C0005859, MONDO:0008876, OMIM 210900.

Allele frequency attached by ClinVar (database versions not stated): gnomAD 0.00001.
gnomAD v4.1: 1 of 1,613,910 alleles (0.000062%); highest among the groups gnomAD compares: Non-Finnish European, 0.000085%; no homozygotes.

Submission:

Labcorp Genetics (formerly Invitae), Labcorp
Classification: Uncertain significance for Bloom syndrome. Last evaluated: 2021-08-07. Review status: criteria provided, single submitter. Criteria: Invitae Variant Classification Sherloc (09022015). Collection method: clinical testing. Allele origin: germline.
Comment: This variant is not present in population databases (ExAC no frequency). This sequence change replaces arginine with isoleucine at codon 407 of the BLM protein (p.Arg407Ile). The arginine residue is moderately conserved and there is a moderate physicochemical difference between arginine and isoleucine. This variant also falls at the last nucleotide of exon 6, which is part of the consensus splice site for this exon. In summary, the available evidence is currently insufficient to determine the role of this variant in disease. Therefore, it has been classified as a Variant of Uncertain Significance. Nucleotide substitutions within the consensus splice site are a relatively common cause of aberrant splicing (PMID: 17576681, 9536098). Algorithms developed to predict the effect of sequence changes on RNA splicing suggest that this variant may disrupt the consensus splice site, but this prediction has not been confirmed by published transcriptional studies. Algorithms developed to predict the effect of missense changes on protein structure and function are either unavailable or do not agree on the potential impact of this missense change (SIFT: "Deleterious"; PolyPhen-2: "Probably Damaging"; Align-GVGD: "Class C0"). This variant has not been reported in the literature in individuals with BLM-related conditions.

Literature cited by the submitters: PubMed 17576681; PubMed 9536098.